The following is an entry in ClinVar:

NM_022089.4(ATP13A2):c.3192C>T (p.Ala1064=)

Gene: ATP13A2 (ATPase cation transporting 13A2; minus strand). Cytogenetic location: 1p36.13.
Variant type: single nucleotide variant.
Coding change: c.3192C>T on transcript NM_022089.4 (MANE Select); coding-DNA position 3192, C replaced by T.
Protein change: p.Ala1064=; no amino-acid change (alanine 1064 retained).
Molecular consequence: synonymous variant.
Genome position (GRCh38, 1-based): chr1:16,986,848, G>A on the plus strand (C>T on the coding strand, the complement: ATP13A2 is on the minus strand). VCF-style: chr1-16986848-G-A. GRCh37 (hg19) VCF-style: chr1-17313343-G-A.
Other names: c.3177C>T, p.Ala1059= (NM_001141973.3); c.3060C>T, p.Ala1020= (NM_001141974.3).
Identifiers: ClinVar variation 128473 (VCV000128473.35), dbSNP rs9435659, ClinGen allele CA151959.

ClinVar aggregate classification (germline): Benign. Review status: criteria provided, multiple submitters, no conflicts (2 of 4 stars). 17 submissions from 16 submitters: Benign (12). 5 of the submissions do not count toward it. Last evaluated 2026-02-04.

Conditions:
Autosomal recessive spastic paraplegia type 78. Identifiers: Orphanet 513436, MedGen C5567893, MONDO:0014975, OMIM 617225.
Kufor-Rakeb syndrome (KRS). Also called: PARKINSON DISEASE 9, AUTOSOMAL RECESSIVE, JUVENILE-ONSET. Identifiers: Orphanet 306674, Orphanet 314632, MedGen C1847640, MONDO:0011706, OMIM 606693.
Inborn genetic diseases. Identifiers: MedGen C0950123, MeSH D030342.

Allele frequency attached by ClinVar (database versions not stated): 1000 Genomes Project 0.33846; 1000 Genomes Project 30x 0.34338; TOPMed 0.40000; gnomAD 0.40884 and 0.41112; ESP Exome Variant Server 0.41642; ExAC 0.46479; gnomAD exomes 0.46519.
gnomAD v4.1: 800,554 of 1,613,386 alleles (50%); highest among the groups gnomAD compares: Non-Finnish European, 53%; 204,781 homozygotes.

Submissions (17):

Labcorp Genetics (formerly Invitae), Labcorp
Classification: Benign for Kufor-Rakeb syndrome; Autosomal recessive spastic paraplegia type 78. Last evaluated: 2026-02-04. Review status: criteria provided, single submitter. Criteria: Invitae Variant Classification Sherloc (09022015). Collection method: clinical testing. Allele origin: germline.

Blueprint Genetics
Classification: Benign. Last evaluated: 2024-11-26. Review status: criteria provided, single submitter. Criteria: ACMG Guidelines, 2015. Collection method: clinical testing. Allele origin: germline.

Unidad de Genómica Garrahan, Hospital de Pediatría Garrahan
Classification: Benign. Last evaluated: 2024-07-15. Review status: criteria provided, single submitter. Criteria: ACMG Guidelines, 2015. Collection method: clinical testing. Allele origin: germline. Affected: no. Observed: 68 variant alleles.
Comment: This variant is classified as Benign based on local population frequency. This variant was detected in 73% of patients studied in a panel designed for Epileptic and Developmental Encephalopathy and Progressive Myoclonus Epilepsy. Number of patients: 68. Only high quality variants are reported.

Genome-Nilou Lab
Classification: Benign for Kufor-Rakeb syndrome. Last evaluated: 2021-07-14. Review status: criteria provided, single submitter. Criteria: ACMG Guidelines, 2015. Collection method: clinical testing. Allele origin: germline. Affected: no.

Genome-Nilou Lab
Classification: Benign for Autosomal recessive spastic paraplegia type 78. Last evaluated: 2021-07-14. Review status: criteria provided, single submitter. Criteria: ACMG Guidelines, 2015. Collection method: clinical testing. Allele origin: germline. Affected: no.

GeneDx
Classification: Benign. Last evaluated: 2018-07-05. Review status: criteria provided, single submitter. Criteria: GeneDx Variant Classification Process June 2021. Collection method: clinical testing. Allele origin: germline. Affected: yes.

Illumina Laboratory Services, Illumina
Classification: Benign for Kufor-Rakeb syndrome. Last evaluated: 2018-01-13. Review status: criteria provided, single submitter. Criteria: ICSL Variant Classification Criteria 13 December 2019. Collection method: clinical testing. Allele origin: germline.
Comment: This variant was observed in the ICSL laboratory as part of a predisposition screen in an ostensibly healthy population. It had not been previously curated by ICSL or reported in the Human Gene Mutation Database (HGMD: prior to June 1st, 2018), and was therefore a candidate for classification through an automated scoring system. Utilizing variant allele frequency, disease prevalence and penetrance estimates, and inheritance mode, an automated score was calculated to assess if this variant is too frequent to cause the disease. Based on the score and internal cut-off values, a variant classified as benign is not then subjected to further curation. The score for this variant resulted in a classification of benign for this disease.

Athena Diagnostics
Classification: Benign. Last evaluated: 2017-04-20. Review status: criteria provided, single submitter. Criteria: Athena Diagnostics Criteria. Collection method: clinical testing. Allele origin: germline.

Ambry Genetics
Classification: Benign for Inborn genetic diseases. Last evaluated: 2016-01-08. Review status: criteria provided, single submitter. Criteria: Ambry Variant Classification Scheme 2023. Collection method: clinical testing. Allele origin: germline.

Genetic Services Laboratory, University of Chicago
Classification: Benign for AllHighlyPenetrant. Last evaluated: 2013-08-15. Review status: criteria provided, single submitter. Criteria: ACMG Guidelines, 2007. Collection method: clinical testing. Allele origin: germline. Inheritance: Autosomal recessive inheritance.

Breakthrough Genomics
Classification: Benign. Review status: criteria provided, single submitter. Criteria: ACMG Guidelines, 2015. Collection method: not provided. Allele origin: germline. Inheritance: Autosomal recessive inheritance. Affected: yes.

PreventionGenetics, part of Exact Sciences
Classification: Benign. Review status: criteria provided, single submitter. Criteria: ACMG Guidelines, 2015. Collection method: clinical testing. Allele origin: germline.

Mayo Clinic Laboratories, Mayo Clinic
Classification: Benign. Last evaluated: 2015-10-22. Review status: no assertion criteria provided. Collection method: clinical testing. Allele origin: unknown. Not counted in ClinVar's aggregate classification.

Clinical Genetics DNA and cytogenetics Diagnostics Lab, Erasmus MC, Erasmus Medical Center
Classification: Benign. Review status: no assertion criteria provided. Collection method: clinical testing. Allele origin: germline. Affected: yes. Study: VKGL Data-share Consensus. Not counted in ClinVar's aggregate classification.

Diagnostic Laboratory, Department of Genetics, University Medical Center Groningen
Classification: Benign for Kufor-Rakeb syndrome. Review status: no assertion criteria provided. Collection method: clinical testing. Allele origin: germline. Affected: yes. Study: VKGL Data-share Consensus. Not counted in ClinVar's aggregate classification.

Genome Diagnostics Laboratory, Amsterdam University Medical Center
Classification: Benign. Review status: no assertion criteria provided. Collection method: clinical testing. Allele origin: germline. Affected: yes. Study: VKGL Data-share Consensus. Not counted in ClinVar's aggregate classification.

Joint Genome Diagnostic Labs from Nijmegen and Maastricht, Radboudumc and MUMC+
Classification: Benign. Review status: no assertion criteria provided. Collection method: clinical testing. Allele origin: germline. Affected: yes. Study: VKGL Data-share Consensus. Not counted in ClinVar's aggregate classification.